The following is an entry in ClinVar:

ClinVar aggregate classification (germline): Uncertain significance (1 of 4 stars; one submission).

Allele frequency attached by ClinVar (database versions not stated): gnomAD exomes below 0.00001; gnomAD 0.00001.
gnomAD v4.1: 2 of 1,614,080 alleles (0.00012%); highest among the groups gnomAD compares: Admixed American, 0.0033%; no homozygotes.

Submission:

Ambry Genetics
Classification: Uncertain significance. Last evaluated: 2021-09-12. Review status: criteria provided, single submitter. Criteria: Ambry Variant Classification Scheme 2023. Collection method: clinical testing. Allele origin: germline.
Comment: The p.P188A variant (also known as c.562C>G), located in coding exon 1 of the PALLD gene, results from a C to G substitution at nucleotide position 562. The proline at codon 188 is replaced by alanine, an amino acid with highly similar properties. This amino acid position is conserved. In addition, this alteration is predicted to be tolerated by in silico analysis. Since supporting evidence is limited at this time, the clinical significance of this alteration remains unclear.

NM_001166108.2(PALLD):c.562C>G (p.Pro188Ala)

Gene: PALLD (palladin, cytoskeletal associated protein; plus strand). Cytogenetic location: 4q32.3.
Variant type: single nucleotide variant.
Coding change: c.562C>G on transcript NM_001166108.2 (MANE Select); coding-DNA position 562, C replaced by G.
Protein change: p.Pro188Ala; replaces proline 188 with alanine.
Molecular consequence: missense variant.
Genome position (GRCh38, 1-based): chr4:168,512,066, C>G. VCF-style: chr4-168512066-C-G. GRCh37 (hg19) VCF-style: chr4-169433217-C-G.
Other names: c.562C>G, p.Pro188Ala (NM_016081.4); short protein forms P188A.
Identifiers: ClinVar variation 1748734 (VCV001748734.2), dbSNP rs1762574916, ClinGen allele CA358726292.
Genomic context (GRCh38, chr4:168,512,066, plus strand): 5'-CTGTGTGACAAGGCAGCTAATTTAATTGAGGAGCTAACATCCATATTTAAAGCCGCAAAG[C>G]CAAGAAACAGAAGCCCAAATGGGGAGTCCTCGTCACCAGACAGTGGGTACCTGTCTCCTA-3'
Protein context (NP_001159580.1, residues 178-198): ELTSIFKAAK[Pro188Ala]RNRSPNGESS